The following is an entry in ClinVar:

ClinVar aggregate classification (germline): Uncertain significance (1 of 4 stars; one submission).

Conditions:
Aicardi-Goutieres syndrome 6 (AGS6). Identifiers: Orphanet 51, MedGen C3539013, MONDO:0014007, OMIM 615010.
Symmetrical dyschromatosis of extremities (DSH). Also called: Dyschromatosis symmetrica hereditaria; DYSCHROMATOSIS SYMMETRICA HEREDITARIA 1; RETICULATE ACROPIGMENTATION OF DOHI; SYMMETRIC DYSCHROMATOSIS OF THE EXTREMITIES. Identifiers: Orphanet 41, MedGen C0406775, MONDO:0007483, OMIM 127400.

Submission:

Labcorp Genetics (formerly Invitae), Labcorp
Classification: Uncertain significance for Aicardi-Goutieres syndrome 6; Symmetrical dyschromatosis of extremities. Last evaluated: 2025-02-25. Review status: criteria provided, single submitter. Criteria: Invitae Variant Classification Sherloc (09022015). Collection method: clinical testing. Allele origin: germline.
Comment: This sequence change replaces serine, which is neutral and polar, with proline, which is neutral and non-polar, at codon 823 of the ADAR protein (p.Ser823Pro). This variant is not present in population databases (gnomAD no frequency). This variant has not been reported in the literature in individuals affected with ADAR-related conditions. An algorithm developed to predict the effect of missense changes on protein structure and function (PolyPhen-2) suggests that this variant is likely to be tolerated. In summary, the available evidence is currently insufficient to determine the role of this variant in disease. Therefore, it has been classified as a Variant of Uncertain Significance.

NM_001111.5(ADAR):c.2467T>C (p.Ser823Pro)

Gene: ADAR (adenosine deaminase RNA specific; minus strand). Cytogenetic location: 1q21.3.
Variant type: single nucleotide variant.
Coding change: c.2467T>C on transcript NM_001111.5 (MANE Select); coding-DNA position 2467, T replaced by C.
Protein change: p.Ser823Pro; replaces serine 823 with proline.
Molecular consequence: missense variant. On other transcripts: intron variant (3).
Genome position (GRCh38, 1-based): chr1:154,590,213, A>G on the plus strand (T>C on the coding strand, the complement: ADAR is on the minus strand). VCF-style: chr1-154590213-A-G. GRCh37 (hg19) VCF-style: chr1-154562689-A-G.
Other names: c.1582T>C, p.Ser528Pro (NM_001025107.3, NM_001193495.2, NM_001365046.1 and 2 more transcripts); c.2494T>C, p.Ser832Pro (NM_001365045.1); c.1533+49T>C (NM_001365049.1); c.2361+49T>C (NM_015841.4); c.2418+49T>C (NM_015840.4); short protein forms S832P, S823P, S528P.
Identifiers: ClinVar variation 4784163 (VCV004784163.1).